The following is an entry in ClinVar:

NM_023018.5(NADK):c.297G>A (p.Thr99=)

Gene: NADK (NAD kinase; minus strand). Cytogenetic location: 1p36.33.
Variant type: single nucleotide variant.
Coding change: c.297G>A on transcript NM_023018.5 (MANE Select); coding-DNA position 297, G replaced by A.
Protein change: p.Thr99=; no amino-acid change (threonine 99 retained).
Molecular consequence: synonymous variant.
Genome position (GRCh38, 1-based): chr1:1,757,277, C>T on the plus strand (G>A on the coding strand, the complement: NADK is on the minus strand). VCF-style: chr1-1757277-C-T. GRCh37 (hg19) VCF-style: chr1-1688716-C-T.
Other names: c.297G>A, p.Thr99= (NM_001198993.2, NM_001353641.2); c.609G>A, p.Thr203= (NM_001198994.2); c.201G>A, p.Thr67= (NM_001198995.1); c.36G>A, p.Thr12= (NM_001353642.2).
Identifiers: ClinVar variation 2638061 (VCV002638061.24), dbSNP rs776975906, ClinGen allele CA531618.

ClinVar aggregate classification (germline): Likely benign (1 of 4 stars; one submission).

Allele frequency attached by ClinVar (database versions not stated): TOPMed 0.00002; ExAC 0.00003; gnomAD 0.00003; gnomAD exomes 0.00005.
gnomAD v4.1: 87 of 1,613,726 alleles (0.0054%); highest among the groups gnomAD compares: East Asian, 0.049%; no homozygotes.

Submission:

CeGaT Center for Human Genetics Tuebingen
Classification: Likely benign. Last evaluated: 2022-07-01. Review status: criteria provided, single submitter. Criteria: CeGaT Center For Human Genetics Tuebingen Variant Classification Criteria Version 2. Collection method: clinical testing. Allele origin: germline. Affected: yes. Observed: 1 variant allele.
Comment: NADK: BP4, BP7